The following is an entry in ClinVar:

NM_001009944.3(PKD1):c.3067C>T (p.Gln1023Ter)

Gene: PKD1 (polycystin 1, transient receptor potential channel interacting; minus strand). Cytogenetic location: 16p13.3.
Variant type: single nucleotide variant.
Coding change: c.3067C>T on transcript NM_001009944.3 (MANE Select); coding-DNA position 3067, C replaced by T.
Protein change: p.Gln1023Ter; replaces glutamine 1023 with a stop codon.
Molecular consequence: nonsense.
Genome position (GRCh38, 1-based): chr16:2,112,882, G>A on the plus strand (C>T on the coding strand, the complement: PKD1 is on the minus strand). VCF-style: chr16-2112882-G-A. GRCh37 (hg19) VCF-style: chr16-2162883-G-A.
Other names: c.3067C>T, p.Gln1023Ter (NM_000296.4); short protein forms Q1023*.
Identifiers: ClinVar variation 974445 (VCV000974445.6), dbSNP rs2092555939, ClinGen allele CA394384761.

ClinVar aggregate classification (germline): Pathogenic. Review status: criteria provided, multiple submitters, no conflicts (2 of 4 stars). 5 submissions from 5 submitters: Pathogenic (5). Last evaluated 2024-04-09.

Conditions:
Polycystic kidney disease, adult type (PKD1). Also called: POLYCYSTIC KIDNEY DISEASE, ADULT, TYPE I; Polycystic Kidney, Autosomal Dominant; POLYCYSTIC KIDNEY DISEASE 1 WITH OR WITHOUT POLYCYSTIC LIVER DISEASE; Polycystic Kidney Disease 1, Autosomal Dominant; Polycystic kidney disease 1; Polycystic kidney disease 1, severe. Identifiers: MedGen C3149841, MONDO:0008263, OMIM 173900.
PKD1-related disorder. Also called: PKD1-related condition.

Submissions (5):

Fulgent Genetics
Classification: Pathogenic for Polycystic kidney disease, adult type. Last evaluated: 2024-04-09. Review status: criteria provided, single submitter. Criteria: ACMG Guidelines, 2015. Collection method: clinical testing. Allele origin: germline.

Medical Genetics Center, Maternal and Child Health Hospital of Hubei Province
Classification: Pathogenic for Polycystic kidney disease, adult type. Last evaluated: 2022-06-28. Review status: criteria provided, single submitter. Criteria: ACMG Guidelines, 2015. Collection method: clinical testing. Allele origin: maternal. Affected: yes.

Blueprint Genetics
Classification: Pathogenic for PKD1-related disorders. Last evaluated: 2020-12-30. Review status: criteria provided, single submitter. Criteria: ACMG Guidelines, 2015. Collection method: clinical testing. Allele origin: germline. Affected: yes. Observed: 2 variant alleles.

Molecular Biology Laboratory, Fundació Puigvert
Classification: Pathogenic for Polycystic kidney disease, adult type. Last evaluated: 2020-02-01. Review status: criteria provided, single submitter. Criteria: ACMG Guidelines, 2015. Collection method: research. Allele origin: germline. Affected: yes. Study: KidneyPanel_2020.

Juno Genomics, Hangzhou Juno Genomics, Inc
Classification: Pathogenic for Polycystic kidney disease, adult type. Review status: criteria provided, single submitter. Criteria: ACMG Guidelines, 2015. Collection method: clinical testing. Allele origin: germline. Affected: yes.
Comment: Null variant in a gene where loss of function (LOF) is a known mechanism of disease.;Absent from controls (or at extremely low frequency if recessive) in Genome Aggregation Database, Exome Sequencing Project, 1000 Genomes Project, or Exome Aggregation Consortium.;Patient's phenotype or family history is highly specific for a disease with a single genetic etiology.;The prevalence of the variant in affected individuals is significantly increased compared to the prevalence in controls.

Literature cited by the submitters: PubMed 27499327 (cited by Medical Genetics Center, Maternal and Child Health Hospital of Hubei Province); PubMed 31740684 (cited by Medical Genetics Center, Maternal and Child Health Hospital of Hubei Province); PubMed 33532864 (cited by Molecular Biology Laboratory, Fundació Puigvert).